The following is an entry in ClinVar:

ClinVar aggregate classification (germline): Uncertain significance (1 of 4 stars; one submission).

Submission:

Labcorp Genetics (formerly Invitae), Labcorp
Classification: Uncertain significance. Last evaluated: 2023-04-25. Review status: criteria provided, single submitter. Criteria: Invitae Variant Classification Sherloc (09022015). Collection method: clinical testing. Allele origin: unknown.
Comment: In summary, the available evidence is currently insufficient to determine the role of this variant in disease. Therefore, it has been classified as a Variant of Uncertain Significance. Experimental studies and prediction algorithms are not available or were not evaluated, and the functional significance of this variant is currently unknown. This variant has not been reported in the literature in individuals affected with APOA1-related conditions. This variant results in a copy number gain of the genomic region encompassing exon(s) 4 of the APOA1 gene. This region includes the termination codon of the gene. This copy number gain extends beyond the assayed region for this gene and therefore may encompass additional genes. As the precise location of this event is unknown, it may be in tandem or it may be located elsewhere in the genome.

NC_000011.9:g.(?_116660844)_(116707147_?)dup

Genes: APOA1 (apolipoprotein A1; minus strand), APOA4 (apolipoprotein A4; minus strand), APOA5 (apolipoprotein A5; minus strand), APOC3 (apolipoprotein C3; plus strand). Cytogenetic location: 11q23.3.
Variant type: Duplication.
Identifiers: ClinVar variation 3244708 (VCV003244708.1).